The following is an entry in ClinVar:

ClinVar aggregate classification (germline): Uncertain significance (1 of 4 stars; one submission).

Allele frequency attached by ClinVar (database versions not stated): gnomAD exomes below 0.00001.
gnomAD v4.1: 1 of 1,572,840 alleles (0.000064%); highest among the groups gnomAD compares: Non-Finnish European, 0.000087%; no homozygotes.

Submission:

GeneDx
Classification: Uncertain significance. Last evaluated: 2019-11-07. Review status: criteria provided, single submitter. Criteria: GeneDx Variant Classification Process June 2021. Collection method: clinical testing. Allele origin: germline. Affected: yes.
Comment: Not observed in large population cohorts (Lek et al., 2016); In silico analysis, which includes protein predictors and evolutionary conservation, supports a deleterious effect; Has not been previously published as pathogenic or benign to our knowledge

NM_003919.3(SGCE):c.461A>G (p.Glu154Gly)

Genes: CASD1 (CAS1 domain containing 1; plus strand), SGCE (sarcoglycan epsilon; minus strand). Cytogenetic location: 7q21.3.
Variant type: single nucleotide variant.
Coding change: c.461A>G on transcript NM_003919.3 (MANE Select); coding-DNA position 461, A replaced by G.
Protein change: p.Glu154Gly; replaces glutamic acid 154 with glycine.
Molecular consequence: missense variant.
Genome position (GRCh38, 1-based): chr7:94,623,327, T>C on the plus strand (A>G on the coding strand, the complement: SGCE is on the minus strand). VCF-style: chr7-94623327-T-C. GRCh37 (hg19) VCF-style: chr7-94252639-T-C.
Other names: c.461A>G, p.Glu154Gly (NM_001099400.2, NM_001099401.2, NM_001346717.2); c.338A>G, p.Glu113Gly (NM_001301139.2, NM_001362809.2); c.569A>G, p.Glu190Gly (NM_001346713.2, NM_001346715.2); c.374A>G, p.Glu125Gly (NM_001346719.2, NM_001362807.2); c.188A>G, p.Glu63Gly (NM_001346720.2, NM_001362808.2); short protein forms E113G, E125G, E154G, E190G, E63G.
Identifiers: ClinVar variation 1310259 (VCV001310259.2), dbSNP rs2116917874, ClinGen allele CA368236589.